The following is an entry in ClinVar:

NM_002386.4(MC1R):c.423C>G (p.Asp141Glu)

Gene: MC1R (melanocortin 1 receptor; plus strand). Cytogenetic location: 16q24.3.
Variant type: single nucleotide variant.
Coding change: c.423C>G on transcript NM_002386.4 (MANE Select); coding-DNA position 423, C replaced by G.
Protein change: p.Asp141Glu; replaces aspartic acid 141 with glutamic acid.
Molecular consequence: missense variant.
Genome position (GRCh38, 1-based): chr16:89,919,681, C>G. VCF-style: chr16-89919681-C-G. GRCh37 (hg19) VCF-style: chr16-89986089-C-G.
Other names: short protein forms D141E.
Identifiers: ClinVar variation 4052415 (VCV004052415.1).

ClinVar aggregate classification (germline): Uncertain significance (1 of 4 stars; one submission).

gnomAD v4.1: 6 of 1,606,268 alleles (0.00037%); highest among the groups gnomAD compares: East Asian, 0.0022%; no homozygotes.

Submission:

Ambry Genetics
Classification: Uncertain significance. Last evaluated: 2025-04-12. Review status: criteria provided, single submitter. Criteria: Ambry Variant Classification Scheme 2023. Collection method: clinical testing. Allele origin: germline.
Comment: The p.D141E variant (also known as c.423C>G), located in coding exon 1 of the MC1R gene, results from a C to G substitution at nucleotide position 423. The aspartic acid at codon 141 is replaced by glutamic acid, an amino acid with highly similar properties. This amino acid position is conserved. In addition, this alteration is predicted to be deleterious by in silico analysis. Based on the available evidence, the clinical significance of this variant remains unclear.